The following is an entry in ClinVar:

ClinVar aggregate classification (germline): Uncertain significance (1 of 4 stars; one submission).

Conditions:
Aicardi-Goutieres syndrome 7 (AGS7). Identifiers: Orphanet 51, MedGen C3888244, MONDO:0014367, OMIM 615846.
Singleton-Merten syndrome 1 (SGMRT1). Also called: Widened medullary cavities of bone, aortic calcification, abnormal dentition, and muscular weakness; Syndrome of widened medullary cavities of the metacarpals and phalanges, aortic calcification and abnormal dentition. Identifiers: Orphanet 85191, MedGen C4225427, MONDO:0024535, OMIM 182250.

Allele frequency attached by ClinVar (database versions not stated): gnomAD exomes below 0.00001; ExAC 0.00001; TOPMed 0.00001.
gnomAD v4.1: 4 of 1,613,760 alleles (0.00025%); highest among the groups gnomAD compares: South Asian, 0.0044%; no homozygotes.

Submission:

Labcorp Genetics (formerly Invitae), Labcorp
Classification: Uncertain significance for Aicardi-Goutieres syndrome 7; Singleton-Merten syndrome 1. Last evaluated: 2023-02-27. Review status: criteria provided, single submitter. Criteria: Invitae Variant Classification Sherloc (09022015). Collection method: clinical testing. Allele origin: germline.
Comment: This sequence change replaces leucine, which is neutral and non-polar, with proline, which is neutral and non-polar, at codon 185 of the IFIH1 protein (p.Leu185Pro). This variant is present in population databases (rs781741913, gnomAD 0.003%). This variant has not been reported in the literature in individuals affected with IFIH1-related conditions. Advanced modeling of protein sequence and biophysical properties (such as structural, functional, and spatial information, amino acid conservation, physicochemical variation, residue mobility, and thermodynamic stability) has been performed at Invitae for this missense variant, however the output from this modeling did not meet the statistical confidence thresholds required to predict the impact of this variant on IFIH1 protein function. In summary, the available evidence is currently insufficient to determine the role of this variant in disease. Therefore, it has been classified as a Variant of Uncertain Significance.

NM_022168.4(IFIH1):c.554T>C (p.Leu185Pro)

Gene: IFIH1 (interferon induced with helicase C domain 1; minus strand). Cytogenetic location: 2q24.2.
Variant type: single nucleotide variant.
Coding change: c.554T>C on transcript NM_022168.4 (MANE Select); coding-DNA position 554, T replaced by C.
Protein change: p.Leu185Pro; replaces leucine 185 with proline.
Molecular consequence: missense variant.
Genome position (GRCh38, 1-based): chr2:162,310,833, A>G on the plus strand (T>C on the coding strand, the complement: IFIH1 is on the minus strand). VCF-style: chr2-162310833-A-G. GRCh37 (hg19) VCF-style: chr2-163167343-A-G.
Other names: short protein forms L185P.
Identifiers: ClinVar variation 2935265 (VCV002935265.3), dbSNP rs781741913, ClinGen allele CA1934782.